The following is an entry in ClinVar:

NM_000059.4(BRCA2):c.7417T>C (p.Cys2473Arg)

Gene: BRCA2 (BRCA2 DNA repair associated; plus strand). Cytogenetic location: 13q13.1.
Variant type: single nucleotide variant.
Coding change: c.7417T>C on transcript NM_000059.4 (MANE Select); coding-DNA position 7417, T replaced by C.
Protein change: p.Cys2473Arg; replaces cysteine 2473 with arginine.
Molecular consequence: missense variant.
Genome position (GRCh38, 1-based): chr13:32,355,270, T>C. VCF-style: chr13-32355270-T-C. GRCh37 (hg19) VCF-style: chr13-32929407-T-C.
Other names: short protein forms C2473R.
Identifiers: ClinVar variation 186136 (VCV000186136.52), dbSNP rs786202720, ClinGen allele CA025070.
Genomic context (GRCh38, chr13:32,355,270, plus strand): 5'-GAGATTCATCAGTTTAACAAAAACAACTCCAATCAAGCAGTAGCTGTAACTTTCACAAAG[T>C]GTGAAGAAGAACCTTTAGGTATTGTATGACAATTTGTGTGATGAATTTTTGCCTTTCAGT-3'
Protein context (NP_000050.3, residues 2463-2483): NQAVAVTFTK[Cys2473Arg]EEEPLDLITS

ClinVar aggregate classification (germline): Conflicting classifications of pathogenicity. Review status: criteria provided, conflicting classifications (1 of 4 stars). 3 submissions from 3 submitters: Uncertain significance (2); Likely benign (1). Last evaluated 2022-03-11.

Conditions:
Hereditary cancer-predisposing syndrome. Also called: Tumor predisposition; Neoplastic Syndromes, Hereditary; Hereditary Cancer Syndrome; Hereditary neoplastic syndrome. Identifiers: Orphanet 140162, MedGen C0027672, MeSH D009386, MONDO:0015356.
Hereditary breast ovarian cancer syndrome. Also called: Hereditary breast and ovarian cancer; Hereditary breast and ovarian cancer syndrome (HBOC); Breast and ovarian cancer; Hereditary breast and/or ovarian cancer syndrome; BRCA1- and BRCA2-Associated Hereditary Breast and Ovarian Cancer; Hereditary breast and ovarian cancer syndrome. Identifiers: Orphanet 145, MedGen C0677776, MeSH D061325, MONDO:0003582. Disease mechanism: loss of function.

Submissions (3):

Labcorp Genetics (formerly Invitae), Labcorp
Classification: Uncertain significance for Hereditary breast ovarian cancer syndrome. Last evaluated: 2022-03-11. Review status: criteria provided, single submitter. Criteria: Invitae Variant Classification Sherloc (09022015). Collection method: clinical testing. Allele origin: germline.
Comment: In summary, the available evidence is currently insufficient to determine the role of this variant in disease. Therefore, it has been classified as a Variant of Uncertain Significance. Advanced modeling of protein sequence and biophysical properties (such as structural, functional, and spatial information, amino acid conservation, physicochemical variation, residue mobility, and thermodynamic stability) performed at Invitae indicates that this missense variant is not expected to disrupt BRCA2 protein function. ClinVar contains an entry for this variant (Variation ID: 186136). This missense change has been observed in individual(s) with breast cancer (PMID: 29335924). This variant is not present in population databases (gnomAD no frequency). This sequence change replaces cysteine, which is neutral and slightly polar, with arginine, which is basic and polar, at codon 2473 of the BRCA2 protein (p.Cys2473Arg).

CeGaT Center for Human Genetics Tuebingen
Classification: Uncertain significance. Last evaluated: 2019-10-01. Review status: criteria provided, single submitter. Criteria: CeGaT Center For Human Genetics Tuebingen Variant Classification Criteria Version 2. Collection method: clinical testing. Allele origin: germline. Affected: yes. Observed: 1 variant allele.

Ambry Genetics
Classification: Likely benign for Hereditary cancer-predisposing syndrome. Last evaluated: 2019-03-19. Review status: criteria provided, single submitter. Criteria: Ambry Variant Classification Scheme 2023. Collection method: clinical testing. Allele origin: germline.

Literature cited by the submitters: PubMed 29335924 (cited by Labcorp Genetics (formerly Invitae), Labcorp).